The following is an entry in ClinVar:

NM_001292034.3(TAB2):c.1163A>G (p.Tyr388Cys)

Genes: TAB2 (TGF-beta activated kinase 1 (MAP3K7) binding protein 2; plus strand), LOC126859827 (BRD4-independent group 4 enhancer GRCh37_chr6:149699707-149700906; plus strand). Cytogenetic location: 6q25.1.
Variant type: single nucleotide variant.
Coding change: c.1163A>G on transcript NM_001292034.3 (MANE Select); coding-DNA position 1163, A replaced by G.
Protein change: p.Tyr388Cys; replaces tyrosine 388 with cysteine.
Molecular consequence: missense variant.
Genome position (GRCh38, 1-based): chr6:149,379,078, A>G. VCF-style: chr6-149379078-A-G. GRCh37 (hg19) VCF-style: chr6-149700214-A-G.
Other names: c.1067A>G, p.Tyr356Cys (NM_001292035.3); c.1163A>G, p.Tyr388Cys (NM_001369506.1, NM_015093.6); short protein forms Y356C, Y388C.
Identifiers: ClinVar variation 3353255 (VCV003353255.1).

ClinVar aggregate classification (germline): Uncertain significance (0 of 4 stars; one submission).

Conditions:
TAB2-related disorder.

gnomAD v4.1: 9 of 1,614,090 alleles (0.00056%); highest among the groups gnomAD compares: Admixed American, 0.005%; no homozygotes.

Submission:

PreventionGenetics, part of Exact Sciences
Classification: Uncertain significance for TAB2-related condition. Last evaluated: 2024-08-14. Review status: no assertion criteria provided. Collection method: clinical testing. Allele origin: germline.
Comment: The TAB2 c.1163A>G variant is predicted to result in the amino acid substitution p.Tyr388Cys. To our knowledge, this variant has not been reported in the literature. This variant is reported in 0.0085% of alleles in individuals of Latino descent in gnomAD. At this time, the clinical significance of this variant is uncertain due to the absence of conclusive functional and genetic evidence.